The following is an entry in ClinVar:

NM_020376.4(PNPLA2):c.63C>G (p.Tyr21Ter)

Genes: PNPLA2 (patatin like domain 2, triacylglycerol lipase; plus strand), LOC130005097 (ATAC-STARR-seq lymphoblastoid silent region 3036; plus strand). Cytogenetic location: 11p15.5.
Variant type: single nucleotide variant.
Coding change: c.63C>G on transcript NM_020376.4 (MANE Select); coding-DNA position 63, C replaced by G.
Protein change: p.Tyr21Ter; replaces tyrosine 21 with a stop codon.
Molecular consequence: nonsense.
Genome position (GRCh38, 1-based): chr11:819,781, C>G. VCF-style: chr11-819781-C-G. GRCh37 (hg19) VCF-style: chr11-819781-C-G.
Other names: short protein forms Y21*.
Identifiers: ClinVar variation 2757371 (VCV002757371.3), dbSNP rs2495547976, ClinGen allele CA378976553.

ClinVar aggregate classification (germline): Pathogenic (1 of 4 stars; one submission).

Conditions:
Neutral lipid storage myopathy (NLSDM). Also called: NEUTRAL LIPID STORAGE DISEASE WITHOUT ICHTHYOSIS. Identifiers: Orphanet 98908, MedGen C1853136, MONDO:0012545, OMIM 610717.

Submission:

Labcorp Genetics (formerly Invitae), Labcorp
Classification: Pathogenic for Neutral lipid storage myopathy. Last evaluated: 2023-09-01. Review status: criteria provided, single submitter. Criteria: Invitae Variant Classification Sherloc (09022015). Collection method: clinical testing. Allele origin: germline.
Comment: This variant is not present in population databases (gnomAD no frequency). This sequence change creates a premature translational stop signal (p.Tyr21*) in the PNPLA2 gene. It is expected to result in an absent or disrupted protein product. Loss-of-function variants in PNPLA2 are known to be pathogenic (PMID: 17187067). This variant has not been reported in the literature in individuals affected with PNPLA2-related conditions. For these reasons, this variant has been classified as Pathogenic.

Literature cited by the submitters: PubMed 17187067.